The following is an entry in ClinVar:

ClinVar aggregate classification (germline): Uncertain significance (1 of 4 stars; one submission).

Conditions:
Arrhythmogenic right ventricular dysplasia 12. Also called: ARRHYTHMOGENIC RIGHT VENTRICULAR DYSPLASIA, FAMILIAL, 12. Identifiers: MedGen C1969081, MONDO:0012684, OMIM 611528.
Naxos disease (NXD). Also called: WOOLLY HAIR, PALMOPLANTAR KERATODERMA, AND CARDIAC ABNORMALITIES; CARDIOMYOPATHY, ARRHYTHMOGENIC RIGHT VENTRICULAR, WITH SKIN, HAIR, AND NAIL ABNORMALITIES; KERATOSIS PALMOPLANTARIS WITH ARRHYTHMOGENIC CARDIOMYOPATHY; MAL DE NAXOS; PALMOPLANTAR KERATODERMA WITH ARRHYTHMOGENIC RIGHT VENTRICULAR CARDIOMYOPATHY AND WOOLLY HAIR. Identifiers: Orphanet 34217, MedGen C1832600, MONDO:0011017, OMIM 601214.

Allele frequency attached by ClinVar (database versions not stated): ExAC 0.00001; gnomAD exomes 0.00001; TOPMed 0.00001.
gnomAD v4.1: 14 of 1,613,050 alleles (0.00087%); highest among the groups gnomAD compares: Middle Eastern, 0.016%; no homozygotes.

Submission:

Labcorp Genetics (formerly Invitae), Labcorp
Classification: Uncertain significance for Arrhythmogenic right ventricular dysplasia 12; Naxos disease. Last evaluated: 2024-09-06. Review status: criteria provided, single submitter. Criteria: Invitae Variant Classification Sherloc (09022015). Collection method: clinical testing. Allele origin: germline.
Comment: This sequence change replaces aspartic acid, which is acidic and polar, with asparagine, which is neutral and polar, at codon 198 of the JUP protein (p.Asp198Asn). This variant is present in population databases (rs782799529, gnomAD 0.002%). This missense change has been observed in individual(s) with dilated cardiomyopathy (PMID: 28416588). ClinVar contains an entry for this variant (Variation ID: 846661). An algorithm developed to predict the effect of missense changes on protein structure and function (PolyPhen-2) suggests that this variant¬¨‚Ä†is likely to be tolerated. In summary, the available evidence is currently insufficient to determine the role of this variant in disease. Therefore, it has been classified as a Variant of Uncertain Significance.

Literature cited by the submitters: PubMed 28416588.

NM_002230.4(JUP):c.592G>A (p.Asp198Asn)

Gene: JUP (junction plakoglobin; minus strand). Cytogenetic location: 17q21.2.
Variant type: single nucleotide variant.
Coding change: c.592G>A on transcript NM_002230.4 (MANE Select); coding-DNA position 592, G replaced by A.
Protein change: p.Asp198Asn; replaces aspartic acid 198 with asparagine.
Molecular consequence: missense variant.
Genome position (GRCh38, 1-based): chr17:41,769,084, C>T on the plus strand (G>A on the coding strand, the complement: JUP is on the minus strand). VCF-style: chr17-41769084-C-T. GRCh37 (hg19) VCF-style: chr17-39925336-C-T.
Other names: c.592G>A, p.Asp198Asn (NM_001352773.2, NM_021991.4, NM_001352774.2 and 3 more transcripts); short protein forms D198N.
Identifiers: ClinVar variation 846661 (VCV000846661.8), dbSNP rs782799529, ClinGen allele CA8565436.